The following is an entry in ClinVar:

NM_005862.3(STAG1):c.1744-2A>G

Gene: STAG1 (STAG1 cohesin complex component; minus strand). Cytogenetic location: 3q22.3.
Variant type: single nucleotide variant.
Coding change: c.1744-2A>G on transcript NM_005862.3 (MANE Select); the canonical splice acceptor site of the intron before coding-DNA position 1744, A replaced by G.
Molecular consequence: splice acceptor variant.
Genome position (GRCh38, 1-based): chr3:136,422,859, T>C on the plus strand (A>G on the coding strand, the complement: STAG1 is on the minus strand). VCF-style: chr3-136422859-T-C. GRCh37 (hg19) VCF-style: chr3-136141701-T-C.
Identifiers: ClinVar variation 4818998 (VCV004818998.2).
Genomic context (GRCh38, chr3:136,422,859, plus strand): 5'-AAATCAAAATACTGTGGGATTTGTAGCAAGTTTGCTACCTTCTCTGCATCTGCAGAATAC[T>C]AGAAGGAGAAGCAAAGAAAAAGACAGTAACTACTTTAATAGTACAATGAAAGCAAACTCA-3'

ClinVar aggregate classification (germline): Likely pathogenic (1 of 4 stars; one submission).

Conditions:
Intellectual developmental disorder, autosomal dominant 47. Also called: MENTAL RETARDATION, AUTOSOMAL DOMINANT 47; Intellectual disability, autosomal dominant 47. Identifiers: Orphanet 502434, MedGen C4539951, MONDO:0030912, OMIM 617635.

Submission:

Victorian Clinical Genetics Services, Murdoch Childrens Research Institute
Classification: Likely pathogenic for Intellectual developmental disorder, autosomal dominant 47. Last evaluated: 2026-02-09. Review status: criteria provided, single submitter. Criteria: ACMG Guidelines, 2015. Collection method: clinical testing. Allele origin: germline. Affected: yes.
Comment: This variant is classified as Likely pathogenic. Evidence in support of pathogenic classification: Canonical splice site variant without proven consequence on splicing (no functional evidence available); Variant is absent from gnomAD (v2, v3 and v4); Abnormal splicing is predicted by in silico tool and affected nucleotide is highly conserved; Additional information: This variant is heterozygous; This gene is associated with autosomal dominant disease; This variant has no previous evidence of pathogenicity; No published evidence of segregation with disease has been identified for this variant; No published functional evidence has been identified for this variant; No comparable canonical splice variants have previous evidence for pathogenicity; Loss of function is a known mechanism of disease in this gene and is associated with intellectual developmental disorder, autosomal dominant 47 (MIM#617635).